The following is an entry in ClinVar:

NM_000361.3(THBD):c.1303G>A (p.Asp435Asn)

Gene: THBD (thrombomodulin; minus strand). Cytogenetic location: 20p11.21.
Variant type: single nucleotide variant.
Coding change: c.1303G>A on transcript NM_000361.3 (MANE Select); coding-DNA position 1303, G replaced by A.
Protein change: p.Asp435Asn; replaces aspartic acid 435 with asparagine.
Molecular consequence: missense variant.
Genome position (GRCh38, 1-based): chr20:23,048,202, C>T on the plus strand (G>A on the coding strand, the complement: THBD is on the minus strand). VCF-style: chr20-23048202-C-T. GRCh37 (hg19) VCF-style: chr20-23028839-C-T.
Other names: short protein forms D435N.
Identifiers: ClinVar variation 2812465 (VCV002812465.3), dbSNP rs2515203371, ClinGen allele CA408405811.

ClinVar aggregate classification (germline): Uncertain significance (1 of 4 stars; one submission).

Submission:

Labcorp Genetics (formerly Invitae), Labcorp
Classification: Uncertain significance. Last evaluated: 2022-11-06. Review status: criteria provided, single submitter. Criteria: Invitae Variant Classification Sherloc (09022015). Collection method: clinical testing. Allele origin: germline.
Comment: In summary, the available evidence is currently insufficient to determine the role of this variant in disease. Therefore, it has been classified as a Variant of Uncertain Significance. Advanced modeling of protein sequence and biophysical properties (such as structural, functional, and spatial information, amino acid conservation, physicochemical variation, residue mobility, and thermodynamic stability) performed at Invitae indicates that this missense variant is not expected to disrupt THBD protein function. This variant has not been reported in the literature in individuals affected with THBD-related conditions. This variant is not present in population databases (gnomAD no frequency). This sequence change replaces aspartic acid, which is acidic and polar, with asparagine, which is neutral and polar, at codon 435 of the THBD protein (p.Asp435Asn).